The following is an entry in ClinVar:

NM_004713.6(NEMF):c.1858-8T>A

Gene: NEMF (nuclear export mediator factor; minus strand). Cytogenetic location: 14q21.3.
Variant type: single nucleotide variant.
Coding change: c.1858-8T>A on transcript NM_004713.6 (MANE Select); 8 bases into the intron before coding-DNA position 1858, T replaced by A.
Molecular consequence: intron variant.
Genome position (GRCh38, 1-based): chr14:49,803,302, A>T on the plus strand (T>A on the coding strand, the complement: NEMF is on the minus strand). VCF-style: chr14-49803302-A-T. GRCh37 (hg19) VCF-style: chr14-50270020-A-T.
Other names: NC_000014.8:g.50270020A>T; c.1795-8T>A (NM_001301732.3); c.1858-8T>A (NM_004713.5).
Identifiers: ClinVar variation 2644217 (VCV002644217.26), dbSNP rs184927855, ClinGen allele CA7175121.

ClinVar aggregate classification (germline): Likely benign. Review status: criteria provided, single submitter (1 of 4 stars). 2 submissions from 2 submitters: Likely benign (1). 1 of the submissions does not count toward it. Last evaluated 2023-10-01.

Conditions:
NEMF-related disorder. Also called: NEMF-related condition.

Allele frequency attached by ClinVar (database versions not stated): 1000 Genomes Project 0.00040; 1000 Genomes Project 30x 0.00047; ESP Exome Variant Server 0.00062; ExAC 0.00067; gnomAD exomes 0.00087; gnomAD 0.00088; TOPMed 0.00111.
gnomAD v4.1: 1,359 of 1,563,968 alleles (0.087%); highest among the groups gnomAD compares: Non-Finnish European, 0.1%; 1 homozygote.

Submissions (6):

CeGaT Center for Human Genetics Tuebingen
Classification: Likely benign. Last evaluated: 2023-10-01. Review status: criteria provided, single submitter. Criteria: CeGaT Center For Human Genetics Tuebingen Variant Classification Criteria Version 2. Collection method: clinical testing. Allele origin: germline. Affected: yes. Observed: 1 variant allele.
Comment: NEMF: BP4

PreventionGenetics, part of Exact Sciences
Classification: Likely benign for NEMF-related condition. Last evaluated: 2019-02-26. Review status: no assertion criteria provided. Collection method: clinical testing. Allele origin: germline. Not counted in ClinVar's aggregate classification.
Comment: This variant is classified as likely benign based on ACMG/AMP sequence variant interpretation guidelines (Richards et al. 2015 PMID: 25741868, with internal and published modifications).

Dr. Peter K. Rogan Lab, Western University
No classification provided (evidence only). Condition: Lung cancer. Review status: no classification provided. Collection method: in vitro. Allele origin: not applicable. Functional consequence: retained intron. Not counted in ClinVar's aggregate classification.

Dr. Peter K. Rogan Lab, Western University
No classification provided (evidence only). Condition: Acute myeloid leukemia. Review status: no classification provided. Collection method: in vitro. Allele origin: not applicable. Functional consequence: retained intron. Not counted in ClinVar's aggregate classification.

Dr. Peter K. Rogan Lab, Western University
No classification provided (evidence only). Condition: Acute myeloid leukemia. Review status: no classification provided. Collection method: in vitro. Allele origin: not applicable. Functional consequence: retained intron. Not counted in ClinVar's aggregate classification.

Dr. Peter K. Rogan Lab, Western University
No classification provided (evidence only). Condition: Acute myeloid leukemia. Review status: no classification provided. Collection method: in vitro. Allele origin: not applicable. Functional consequence: retained intron. Not counted in ClinVar's aggregate classification.